The following is an entry in ClinVar:

NM_000243.3(MEFV):c.1316A>G (p.Glu439Gly)

Gene: MEFV (MEFV innate immunity regulator, pyrin; minus strand). Cytogenetic location: 16p13.3.
Variant type: single nucleotide variant.
Coding change: c.1316A>G on transcript NM_000243.3 (MANE Select); coding-DNA position 1316, A replaced by G.
Protein change: p.Glu439Gly; replaces glutamic acid 439 with glycine.
Molecular consequence: missense variant.
Genome position (GRCh38, 1-based): chr16:3,248,949, T>C on the plus strand (A>G on the coding strand, the complement: MEFV is on the minus strand). VCF-style: chr16-3248949-T-C. GRCh37 (hg19) VCF-style: chr16-3298949-T-C.
Other names: c.683A>G, p.Glu228Gly (NM_001198536.2); short protein forms E228G, E439G.
Identifiers: ClinVar variation 3623537 (VCV003623537.2).
Genomic context (GRCh38, chr16:3,248,949, plus strand): 5'-TCAGCCACCTCTGACCTTACCAGAAAGCTCACTGCCTTCTCCTCCCCATAGGATCGCTGC[T>C]CCTCCCCTGATTTTCTCAGCTTCTTCAGATGCTCCAGCTGCTTCTGAATTTTCTTCTGGA-3'
Protein context (NP_000234.1, residues 429-449): HLKKLRKSGE[Glu439Gly]QRSYGEEKAV

ClinVar aggregate classification (germline): Uncertain significance (1 of 4 stars; one submission).

Conditions:
Familial Mediterranean fever (FMF). Also called: POLYSEROSITIS, FAMILIAL PAROXYSMAL; POLYSEROSITIS, RECURRENT; Periodic peritonitis; Benign paroxysmal peritonitis. Identifiers: Orphanet 342, MedGen C0031069, MONDO:0018088, OMIM 249100. Disease mechanism: gain of function.

gnomAD v4.1: 28 of 1,614,104 alleles (0.0017%); highest among the groups gnomAD compares: Non-Finnish European, 0.0024%; no homozygotes.

Submission:

Labcorp Genetics (formerly Invitae), Labcorp
Classification: Uncertain significance for Familial Mediterranean fever. Last evaluated: 2024-02-09. Review status: criteria provided, single submitter. Criteria: Invitae Variant Classification Sherloc (09022015). Collection method: clinical testing. Allele origin: germline.
Comment: This sequence change replaces glutamic acid, which is acidic and polar, with glycine, which is neutral and non-polar, at codon 439 of the MEFV protein (p.Glu439Gly). This variant is not present in population databases (gnomAD no frequency). This variant has not been reported in the literature in individuals affected with MEFV-related conditions. An algorithm developed to predict the effect of missense changes on protein structure and function (PolyPhen-2) suggests that this variant is likely to be disruptive. Algorithms developed to predict the effect of sequence changes on RNA splicing suggest that this variant may disrupt the consensus splice site. In summary, the available evidence is currently insufficient to determine the role of this variant in disease. Therefore, it has been classified as a Variant of Uncertain Significance.